The following is an entry in ClinVar:

NM_020738.4(KIDINS220):c.2669C>T (p.Thr890Ile)

Gene: KIDINS220 (kinase D interacting substrate 220; minus strand). Cytogenetic location: 2p25.1.
Variant type: single nucleotide variant.
Coding change: c.2669C>T on transcript NM_020738.4 (MANE Select); coding-DNA position 2669, C replaced by T.
Protein change: p.Thr890Ile; replaces threonine 890 with isoleucine.
Molecular consequence: missense variant. On other transcripts: non-coding transcript variant (2).
Genome position (GRCh38, 1-based): chr2:8,778,673, G>A on the plus strand (C>T on the coding strand, the complement: KIDINS220 is on the minus strand). VCF-style: chr2-8778673-G-A. GRCh37 (hg19) VCF-style: chr2-8918803-G-A.
Other names: c.2669C>T (NM_020738.2); c.2672C>T, p.Thr891Ile (NM_001348729.2, NM_001348731.2, NM_001348734.2 and 3 more transcripts); c.2669C>T, p.Thr890Ile (NM_001348732.2, NM_001348735.2, NM_001348738.2 and 3 more transcripts); c.2543C>T, p.Thr848Ile (NM_001348736.2); short protein forms T848I, T890I, T891I.
Identifiers: ClinVar variation 1909713 (VCV001909713.7), dbSNP rs1463678402, ClinGen allele CA345759665.
Genomic context (GRCh38, chr2:8,778,673, plus strand): 5'-ACAGCTCGAAGCCAATGGCATCTTACCCGTCTATTGAGGGCTGTCTTGCTACCAAGTTTT[G>A]TCATCTCCCCAAGGCTGTTCTGTGAAACTCTTCTGTCAGCATCTTCCTGTATCCCTTAAA-3'
Protein context (NP_065789.1, residues 880-900): RVSQNSLGEM[Thr890Ile]KLGSKTALNR

ClinVar aggregate classification (germline): Uncertain significance. Review status: criteria provided, multiple submitters, no conflicts (2 of 4 stars). 3 submissions from 3 submitters: Uncertain significance (2). 1 of the submissions does not count toward it. Last evaluated 2024-09-25.

Conditions:
KIDINS220-related disorder. Also called: KIDINS220-related condition.
Inborn genetic diseases. Identifiers: MedGen C0950123, MeSH D030342.

Allele frequency attached by ClinVar (database versions not stated): gnomAD exomes 0.00001; TOPMed 0.00001.

Submissions (3):

Ambry Genetics
Classification: Uncertain significance for Inborn genetic diseases. Last evaluated: 2024-09-25. Review status: criteria provided, single submitter. Criteria: Ambry Variant Classification Scheme 2023. Collection method: clinical testing. Allele origin: germline.

Labcorp Genetics (formerly Invitae), Labcorp
Classification: Uncertain significance. Last evaluated: 2023-01-01. Review status: criteria provided, single submitter. Criteria: Invitae Variant Classification Sherloc (09022015). Collection method: clinical testing. Allele origin: germline.
Comment: This sequence change replaces threonine, which is neutral and polar, with isoleucine, which is neutral and non-polar, at codon 890 of the KIDINS220 protein (p.Thr890Ile). This variant is present in population databases (no rsID available, gnomAD 0.0009%). This variant has not been reported in the literature in individuals affected with KIDINS220-related conditions. Algorithms developed to predict the effect of missense changes on protein structure and function are either unavailable or do not agree on the potential impact of this missense change (SIFT: "Tolerated"; PolyPhen-2: "Possibly Damaging"; Align-GVGD: "Class C0"). In summary, the available evidence is currently insufficient to determine the role of this variant in disease. Therefore, it has been classified as a Variant of Uncertain Significance.

PreventionGenetics, part of Exact Sciences
Classification: Uncertain significance for KIDINS220-related condition. Last evaluated: 2024-04-25. Review status: no assertion criteria provided. Collection method: clinical testing. Allele origin: germline. Not counted in ClinVar's aggregate classification.
Comment: The KIDINS220 c.2669C>T variant is predicted to result in the amino acid substitution p.Thr890Ile. To our knowledge, this variant has not been reported in the literature. This variant is reported in 0.00088% of alleles in individuals of European (Non-Finnish) descent in gnomAD. At this time, the clinical significance of this variant is uncertain due to the absence of conclusive functional and genetic evidence.